The following is an entry in ClinVar:

ClinVar aggregate classification (germline): Pathogenic (1 of 4 stars; one submission).

Allele frequency attached by ClinVar (database versions not stated): gnomAD exomes below 0.00001 and 0.00001; ExAC 0.00002.
gnomAD v4.1: 2 of 1,609,388 alleles (0.00012%); highest among the groups gnomAD compares: Non-Finnish European, 0.00017%; no homozygotes.

Submission:

Labcorp Genetics (formerly Invitae), Labcorp
Classification: Pathogenic. Last evaluated: 2023-07-03. Review status: criteria provided, single submitter. Criteria: Invitae Variant Classification Sherloc (09022015). Collection method: clinical testing. Allele origin: germline.
Comment: This sequence change creates a premature translational stop signal (p.Arg59*) in the AGBL5 gene. It is expected to result in an absent or disrupted protein product. Loss-of-function variants in AGBL5 are known to be pathogenic (PMID: 27764769, 27842159). This variant is present in population databases (rs781641821, gnomAD 0.002%). This variant has not been reported in the literature in individuals affected with AGBL5-related conditions. ClinVar contains an entry for this variant (Variation ID: 1076597). For these reasons, this variant has been classified as Pathogenic.

Literature cited by the submitters: PubMed 27764769; PubMed 27842159.

NM_021831.6(AGBL5):c.175C>T (p.Arg59Ter)

Gene: AGBL5 (AGBL carboxypeptidase 5; plus strand). Cytogenetic location: 2p23.3.
Variant type: single nucleotide variant.
Coding change: c.175C>T on transcript NM_021831.6 (MANE Select); coding-DNA position 175, C replaced by T.
Protein change: p.Arg59Ter; replaces arginine 59 with a stop codon.
Molecular consequence: nonsense. On other transcripts: non-coding transcript variant (2).
Genome position (GRCh38, 1-based): chr2:27,053,133, C>T. VCF-style: chr2-27053133-C-T. GRCh37 (hg19) VCF-style: chr2-27276001-C-T.
Other names: c.175C>T, p.Arg59Ter (NM_001035507.3); short protein forms R59*.
Identifiers: ClinVar variation 1076597 (VCV001076597.7), dbSNP rs781641821, ClinGen allele CA1567561.